The following is an entry in ClinVar:

NM_144596.4(TTC8):c.366C>T (p.Phe122=)

Gene: TTC8 (tetratricopeptide repeat domain 8; plus strand). Cytogenetic location: 14q31.3.
Variant type: single nucleotide variant.
Coding change: c.366C>T on transcript NM_144596.4 (MANE Select); coding-DNA position 366, C replaced by T.
Protein change: p.Phe122=; no amino-acid change (phenylalanine 122 retained).
Molecular consequence: synonymous variant. On other transcripts: 5 prime UTR variant (2), non-coding transcript variant (1).
Genome position (GRCh38, 1-based): chr14:88,841,073, C>T. VCF-style: chr14-88841073-C-T. GRCh37 (hg19) VCF-style: chr14-89307417-C-T.
Other names: c.336C>T, p.Phe112= (NM_001288781.1, NM_001366535.2, NM_001366536.2 and 2 more transcripts); c.-227C>T (NM_001288782.1); c.-322C>T (NM_001288783.1).
Identifiers: ClinVar variation 2069694 (VCV002069694.28), dbSNP rs2546169009, ClinGen allele CA487518851.
Genomic context (GRCh38, chr14:88,841,073, plus strand): 5'-TATAACAATTTATAATCTTCACAGGCCAATCACACAAGCTGGAAGACCCATTACAGGTTT[C>T]CTCAGGCCCAGCACGCAGAGTGGAAGGCCAGGCACTATGGAACAGGCTATCAGAACACCC-3'
Protein context (NP_653197.2, residues 112-132): ITQAGRPITG[Phe122=]LRPSTQSGRP

ClinVar aggregate classification (germline): Likely benign. Review status: criteria provided, multiple submitters, no conflicts (2 of 4 stars). 2 submissions from 2 submitters: Likely benign (2). Last evaluated 2024-03-19.

Conditions:
Bardet-Biedl syndrome (BBS). Identifiers: Orphanet 110, MedGen C0752166, MONDO:0015229.

gnomAD v4.1: 18 of 1,614,118 alleles (0.0011%); highest among the groups gnomAD compares: Non-Finnish European, 0.0015%; no homozygotes.

Submissions (2):

Labcorp Genetics (formerly Invitae), Labcorp
Classification: Likely benign for Bardet-Biedl syndrome. Last evaluated: 2024-03-19. Review status: criteria provided, single submitter. Criteria: Invitae Variant Classification Sherloc (09022015). Collection method: clinical testing. Allele origin: germline.

CeGaT Center for Human Genetics Tuebingen
Classification: Likely benign. Last evaluated: 2023-04-01. Review status: criteria provided, single submitter. Criteria: CeGaT Center For Human Genetics Tuebingen Variant Classification Criteria Version 2. Collection method: clinical testing. Allele origin: germline. Affected: yes. Observed: 1 variant allele.
Comment: TTC8: PM2:Supporting, BP4, BP7